The following is an entry in ClinVar:

NM_025074.7(FRAS1):c.4032dup (p.Met1345fs)

Gene: FRAS1 (Fraser extracellular matrix complex subunit 1; plus strand). Cytogenetic location: 4q21.21.
Variant type: Duplication.
Coding change: c.4032dup on transcript NM_025074.7 (MANE Select); coding-DNA position 4032, one base duplicated (G; older notation c.4032dupG).
Protein change: p.Met1345fs; shifts the reading frame from methionine 1345.
Molecular consequence: frameshift variant.
Genome position (GRCh38, 1-based): chr4:78,400,790, G duplicated; the last of 6 consecutive G bases (chr4:78,400,785-78,400,790); duplicating any one gives the same sequence. VCF-style (leftmost placement, unchanged base first): chr4-78400784-A-AG. GRCh37 (hg19) VCF-style: chr4-79321938-A-AG.
Other names: c.4032dup, p.Met1345fs (NM_001166133.2); short protein forms M1345fs.
Identifiers: ClinVar variation 916659 (VCV000916659.1), dbSNP rs1732856311, ClinGen allele CA1139658527.

ClinVar aggregate classification (germline): Pathogenic (1 of 4 stars; one submission).

Conditions:
Fraser syndrome 1 (FRASRS1). Also called: CRYPTOPHTHALMOS WITH OTHER MALFORMATIONS. Identifiers: Orphanet 2052, MedGen C4551480, MONDO:0054737, OMIM 219000.

Submission:

Service de Biochimie Médicale et Biologie Moléculaire, CHU Clermont-Ferrand
Classification: Pathogenic for Fraser syndrome 1. Last evaluated: 2018-09-14. Review status: criteria provided, single submitter. Criteria: ACMG Guidelines, 2015. Collection method: clinical testing. Allele origin: inherited. Inheritance: Autosomal recessive inheritance. Affected: yes.
Comment: This variant in homozygous state or compound heterozygous state induced Fraser syndrome phenotype